The following is an entry in ClinVar:

ClinVar aggregate classification (germline): Likely benign (1 of 4 stars; one submission).

Submission:

CeGaT Center for Human Genetics Tuebingen
Classification: Likely benign. Last evaluated: 2026-02-01. Review status: criteria provided, single submitter. Criteria: CeGaT Center For Human Genetics Tuebingen Variant Classification Criteria Version 2. Collection method: clinical testing. Allele origin: germline. Affected: yes. Observed: 1 variant allele.
Comment: PLXNB2: BP4, BP7

NM_012401.4(PLXNB2):c.5484C>A (p.Ala1828=)

Gene: PLXNB2 (plexin B2; minus strand). Cytogenetic location: 22q13.33.
Variant type: single nucleotide variant.
Coding change: c.5484C>A on transcript NM_012401.4 (MANE Select); coding-DNA position 5484, C replaced by A.
Protein change: p.Ala1828=; no amino-acid change (alanine 1828 retained).
Molecular consequence: synonymous variant.
Genome position (GRCh38, 1-based): chr22:50,275,737, G>T on the plus strand (C>A on the coding strand, the complement: PLXNB2 is on the minus strand). VCF-style: chr22-50275737-G-T. GRCh37 (hg19) VCF-style: chr22-50714166-G-T.
Other names: c.5721C>A, p.Ala1907= (NM_001376864.1); c.5553C>A, p.Ala1851= (NM_001376865.1); c.5484C>A, p.Ala1828= (NM_001376866.1, NM_001376867.1, NM_001376868.1 and 14 more transcripts); c.5460C>A, p.Ala1820= (NM_001376883.1); c.5406C>A, p.Ala1802= (NM_001376884.1, NM_001376885.1); c.5391C>A, p.Ala1797= (NM_001376886.1).
Identifiers: ClinVar variation 4821043 (VCV004821043.4).